The following is an entry in ClinVar:

ClinVar aggregate classification (germline): Likely benign. Review status: criteria provided, multiple submitters, no conflicts (2 of 4 stars). 3 submissions from 3 submitters: Likely benign (3). Last evaluated 2025-11-09.

Conditions:
Saldino-Mainzer syndrome (SRTD9). Also called: CONORENAL SYNDROME; SHORT-RIB THORACIC DYSPLASIA 9 WITHOUT POLYDACTYLY; short-rib thoracic dysplasia 9 with or without polydactyly; Renal dysplasia, retinal pigmentary dystrophy, cerebellar ataxia and skeletal dysplasia. Identifiers: Orphanet 140969, MedGen C1849437, MONDO:0009964, OMIM 266920.
IFT140-related disorder. Also called: IFT140-related condition.

Allele frequency attached by ClinVar (database versions not stated): gnomAD 0.00001; TOPMed 0.00001; ExAC 0.00005.
gnomAD v4.1: 30 of 1,513,916 alleles (0.002%); highest among the groups gnomAD compares: Middle Eastern, 0.022%; no homozygotes.

Submissions (3):

PreventionGenetics, part of Exact Sciences
Classification: Likely benign for IFT140-related condition. Last evaluated: 2025-11-09. Review status: criteria provided, single submitter. Criteria: ACMG Guidelines, 2015. Collection method: clinical testing. Allele origin: germline.
Comment: This variant is classified as likely benign based on ACMG/AMP sequence variant interpretation guidelines (Richards et al. 2015 PMID: 25741868, with internal and published modifications).

Blueprint Genetics
Classification: Likely benign. Last evaluated: 2023-12-01. Review status: criteria provided, single submitter. Criteria: ACMG Guidelines, 2015. Collection method: clinical testing. Allele origin: germline.

Labcorp Genetics (formerly Invitae), Labcorp
Classification: Likely benign for Saldino-Mainzer syndrome. Last evaluated: 2022-10-21. Review status: criteria provided, single submitter. Criteria: Invitae Variant Classification Sherloc (09022015). Collection method: clinical testing. Allele origin: germline.

NM_014714.4(IFT140):c.2577+10G>A

Gene: IFT140 (intraflagellar transport 140; minus strand). Cytogenetic location: 16p13.3.
Variant type: single nucleotide variant.
Coding change: c.2577+10G>A on transcript NM_014714.4 (MANE Select); 10 bases into the intron after coding-DNA position 2577, G replaced by A.
Molecular consequence: intron variant.
Genome position (GRCh38, 1-based): chr16:1,526,609, C>T on the plus strand (G>A on the coding strand, the complement: IFT140 is on the minus strand). VCF-style: chr16-1526609-C-T. GRCh37 (hg19) VCF-style: chr16-1576610-C-T.
Other names: c.2577+10G>A (NM_014714.3).
Identifiers: ClinVar variation 1121491 (VCV001121491.11), dbSNP rs763509815, ClinGen allele CA7813578.